The following is an entry in ClinVar:

ClinVar aggregate classification (germline): Likely benign (1 of 4 stars; one submission).

Allele frequency attached by ClinVar (database versions not stated): gnomAD exomes 0.00001; TOPMed 0.00001.

Submission:

GeneDx
Classification: Likely benign. Last evaluated: 2018-04-10. Review status: criteria provided, single submitter. Criteria: GeneDx Variant Classification (06012015). Collection method: clinical testing. Allele origin: germline. Affected: yes.
Comment: This variant is considered likely benign or benign based on one or more of the following criteria: it is a conservative change, it occurs at a poorly conserved position in the protein, it is predicted to be benign by multiple in silico algorithms, and/or has population frequency not consistent with disease.

NM_002700.3(POU4F3):c.441C>T (p.His147=)

Genes: POU4F3 (POU class 4 homeobox 3; plus strand), RBM27-POU4F3 (RBM27-POU4F3 readthrough; plus strand). Cytogenetic location: 5q32.
Variant type: single nucleotide variant.
Coding change: c.441C>T on transcript NM_002700.3 (MANE Select); coding-DNA position 441, C replaced by T.
Protein change: p.His147=; no amino-acid change (histidine 147 retained).
Molecular consequence: synonymous variant.
Genome position (GRCh38, 1-based): chr5:146,339,868, C>T. VCF-style: chr5-146339868-C-T. GRCh37 (hg19) VCF-style: chr5-145719431-C-T.
Identifiers: ClinVar variation 681146 (VCV000681146.1), dbSNP rs1265784195, ClinGen allele CA447097671.